The following is an entry in ClinVar:

ClinVar aggregate classification (germline): Conflicting classifications of pathogenicity. Review status: criteria provided, conflicting classifications (1 of 4 stars). 14 submissions from 14 submitters: Uncertain significance (1); Benign (1); Likely benign (9). 3 of the submissions do not count toward it. Last evaluated 2026-05-01.

Conditions:
MYBPC3-related disorder. Also called: MYBPC3-related disorders; MYBPC3-related condition; MYBPC3-related disease.
Cardiovascular phenotype. Identifiers: MedGen CN230736.
Cardiomyopathy (CMYO). Also called: Cardiomyopathies. Identifiers: Orphanet 167848, MedGen C0878544, MONDO:0004994, HP:0001638. Inheritance: Various modes of inheritance.
Hypertrophic cardiomyopathy. Also called: HYPERTROPHIC MYOCARDIOPATHY. Identifiers: Orphanet 217569, MedGen C0007194, MeSH D002312, MONDO:0005045, HP:0001639.

Allele frequency attached by ClinVar (database versions not stated): gnomAD exomes 0.00009; ExAC 0.00014; gnomAD 0.00014 and 0.00016; ESP Exome Variant Server 0.00016; TOPMed 0.00020.
gnomAD v4.1: 154 of 1,561,240 alleles (0.0099%); highest among the groups gnomAD compares: Middle Eastern, 0.067%; no homozygotes.

Submissions (14):

CeGaT Center for Human Genetics Tuebingen
Classification: Likely benign. Last evaluated: 2026-05-01. Review status: criteria provided, single submitter. Criteria: CeGaT Center For Human Genetics Tuebingen Variant Classification Criteria Version 2. Collection method: clinical testing. Allele origin: germline. Affected: yes. Observed: 4 variant alleles.
Comment: MYBPC3: BP4, BP7

Labcorp Genetics (formerly Invitae), Labcorp
Classification: Likely benign for Hypertrophic cardiomyopathy. Last evaluated: 2026-01-04. Review status: criteria provided, single submitter. Criteria: Invitae Variant Classification Sherloc (09022015). Collection method: clinical testing. Allele origin: germline.

Molecular Diagnostic Laboratory for Inherited Cardiovascular Disease, Montreal Heart Institute
Classification: Likely benign. Last evaluated: 2025-04-09. Review status: criteria provided, single submitter. Criteria: ACMG Guidelines, 2015. Collection method: clinical testing. Allele origin: germline. Affected: no.

Blueprint Genetics
Classification: Likely benign. Last evaluated: 2024-10-15. Review status: criteria provided, single submitter. Criteria: ACMG Guidelines, 2015. Collection method: clinical testing. Allele origin: germline.

All of Us Research Program, National Institutes of Health
Classification: Likely benign for Hypertrophic cardiomyopathy. Last evaluated: 2024-02-05. Review status: criteria provided, single submitter. Criteria: ACMG Guidelines, 2015. Collection method: clinical testing. Allele origin: germline. Inheritance: Autosomal dominant inheritance. Observed: 20 variant alleles, 20 heterozygotes.
Comment: This study involves interpretation of variants in research participants for the purpose of population health screening. Participant phenotype was not available at the time of variant classification. Additional details can be found in publication PMID: 35346344, PMCID: PMC8962531

CHEO Genetics Diagnostic Laboratory, Children's Hospital of Eastern Ontario
Classification: Likely benign for Cardiomyopathy. Last evaluated: 2023-01-09. Review status: criteria provided, single submitter. Criteria: ACMG Guidelines, 2015. Collection method: clinical testing. Allele origin: germline.

Ambry Genetics
Classification: Likely benign for Cardiovascular phenotype. Last evaluated: 2018-08-03. Review status: criteria provided, single submitter. Criteria: Ambry Variant Classification Scheme 2023. Collection method: clinical testing. Allele origin: germline.

Color Diagnostics, LLC DBA Color Health
Classification: Likely benign for Cardiomyopathy. Last evaluated: 2018-05-29. Review status: criteria provided, single submitter. Criteria: ACMG Guidelines, 2015. Collection method: clinical testing. Allele origin: germline.

Eurofins Ntd Llc (ga)
Classification: Uncertain significance. Last evaluated: 2015-08-10. Review status: criteria provided, single submitter. Criteria: EGL Classification Definitions 2015. Collection method: clinical testing. Allele origin: germline. Observed: 1 variant allele, 1 heterozygote.

GeneDx
Classification: Benign. Last evaluated: 2015-03-03. Review status: criteria provided, single submitter. Criteria: GeneDx Variant Classification Process June 2021. Collection method: clinical testing. Allele origin: germline. Affected: yes.

Laboratory for Molecular Medicine, Mass General Brigham Personalized Medicine
Classification: Likely benign. Last evaluated: 2011-11-17. Review status: criteria provided, single submitter. Criteria: LMM Criteria. Collection method: clinical testing. Allele origin: germline. Observed: 1 variant allele.
Comment: This variant is not expected to have clinical significance because it does not a lter an amino acid residue and is not located near a splice junction. Therefore, this variant is most likely benign.

PreventionGenetics, part of Exact Sciences
Classification: Likely benign for MYBPC3-related condition. Last evaluated: 2020-11-16. Review status: no assertion criteria provided. Collection method: clinical testing. Allele origin: germline. Not counted in ClinVar's aggregate classification.
Comment: This variant is classified as likely benign based on ACMG/AMP sequence variant interpretation guidelines (Richards et al. 2015 PMID: 25741868, with internal and published modifications).

Clinical Genetics DNA and cytogenetics Diagnostics Lab, Erasmus MC, Erasmus Medical Center
Classification: Likely benign. Review status: no assertion criteria provided. Collection method: clinical testing. Allele origin: germline. Affected: yes. Study: VKGL Data-share Consensus. Not counted in ClinVar's aggregate classification.

Clinical Genetics, Academic Medical Center
Classification: Benign. Review status: no assertion criteria provided. Collection method: clinical testing. Allele origin: germline. Affected: yes. Study: VKGL Data-share Consensus. Not counted in ClinVar's aggregate classification.

NM_000256.3(MYBPC3):c.246T>C (p.Ile82=)

Gene: MYBPC3 (myosin binding protein C3; minus strand). Cytogenetic location: 11p11.2.
Variant type: single nucleotide variant.
Coding change: c.246T>C on transcript NM_000256.3 (MANE Select); coding-DNA position 246, T replaced by C.
Protein change: p.Ile82=; no amino-acid change (isoleucine 82 retained).
Molecular consequence: synonymous variant.
Genome position (GRCh38, 1-based): chr11:47,351,285, A>G on the plus strand (T>C on the coding strand, the complement: MYBPC3 is on the minus strand). VCF-style: chr11-47351285-A-G. GRCh37 (hg19) VCF-style: chr11-47372836-A-G.
Identifiers: ClinVar variation 42623 (VCV000042623.72), dbSNP rs372502369, ClinGen allele CA012346.